The following is an entry in ClinVar:

NM_000255.4(MMUT):c.854T>C (p.Leu285Ser)

Gene: MMUT (methylmalonyl-CoA mutase; minus strand). Cytogenetic location: 6p12.3.
Variant type: single nucleotide variant.
Coding change: c.854T>C on transcript NM_000255.4 (MANE Select); coding-DNA position 854, T replaced by C.
Protein change: p.Leu285Ser; replaces leucine 285 with serine.
Molecular consequence: missense variant.
Genome position (GRCh38, 1-based): chr6:49,456,137, A>G on the plus strand (T>C on the coding strand, the complement: MMUT is on the minus strand). VCF-style: chr6-49456137-A-G. GRCh37 (hg19) VCF-style: chr6-49423850-A-G.
Other names: short protein forms L285S.
Identifiers: ClinVar variation 1037525 (VCV001037525.8), dbSNP rs1767680543, ClinGen allele CA364402151.

ClinVar aggregate classification (germline): Uncertain significance (1 of 4 stars; one submission).

Submission:

Labcorp Genetics (formerly Invitae), Labcorp
Classification: Uncertain significance. Last evaluated: 2020-10-19. Review status: criteria provided, single submitter. Criteria: Invitae Variant Classification Sherloc (09022015). Collection method: clinical testing. Allele origin: germline.
Comment: In summary, the available evidence is currently insufficient to determine the role of this variant in disease. Therefore, it has been classified as a Variant of Uncertain Significance. Algorithms developed to predict the effect of missense changes on protein structure and function are either unavailable or do not agree on the potential impact of this missense change (SIFT: "Deleterious"; PolyPhen-2: "Probably Damaging"; Align-GVGD: "Class C0"). This variant has not been reported in the literature in individuals with MUT-related conditions. This variant is not present in population databases (ExAC no frequency). This sequence change replaces leucine with serine at codon 285 of the MUT protein (p.Leu285Ser). The leucine residue is highly conserved and there is a large physicochemical difference between leucine and serine.